The following is an entry in ClinVar:

ClinVar aggregate classification (germline): Uncertain significance. Review status: criteria provided, multiple submitters, no conflicts (2 of 4 stars). 2 submissions from 2 submitters: Uncertain significance (2). Last evaluated 2022-10-17.

Conditions:
Inborn genetic diseases. Identifiers: MedGen C0950123, MeSH D030342.
Imerslund-Grasbeck syndrome. Also called: Imerslund-Gräsbeck syndrome; ENTEROCYTE COBALAMIN MALABSORPTION; ENTEROCYTE INTRINSIC FACTOR RECEPTOR, DEFECT OF; PERNICIOUS ANEMIA, JUVENILE, DUE TO SELECTIVE INTESTINAL MALABSORPTION OF VITAMIN B12, WITH PROTEINURIA; Megaloblastic anemia due to inborn errors of metabolism. Identifiers: Orphanet 35858, MedGen C4551825, MONDO:0009853.

Allele frequency attached by ClinVar (database versions not stated): gnomAD exomes below 0.00001.
gnomAD v4.1: 4 of 1,613,754 alleles (0.00025%); highest among the groups gnomAD compares: Non-Finnish European, 0.00034%; no homozygotes.

Submissions (2):

Labcorp Genetics (formerly Invitae), Labcorp
Classification: Uncertain significance for Imerslund-Grasbeck syndrome. Last evaluated: 2022-10-17. Review status: criteria provided, single submitter. Criteria: Invitae Variant Classification Sherloc (09022015). Collection method: clinical testing. Allele origin: germline.
Comment: This variant has not been reported in the literature in individuals affected with CUBN-related conditions. In summary, the available evidence is currently insufficient to determine the role of this variant in disease. Therefore, it has been classified as a Variant of Uncertain Significance. Advanced modeling of protein sequence and biophysical properties (such as structural, functional, and spatial information, amino acid conservation, physicochemical variation, residue mobility, and thermodynamic stability) performed at Invitae indicates that this missense variant is expected to disrupt CUBN protein function. This variant is not present in population databases (gnomAD no frequency). This sequence change replaces alanine, which is neutral and non-polar, with threonine, which is neutral and polar, at codon 2086 of the CUBN protein (p.Ala2086Thr).

Ambry Genetics
Classification: Uncertain significance for Inborn genetic diseases. Last evaluated: 2022-05-25. Review status: criteria provided, single submitter. Criteria: Ambry Variant Classification Scheme 2023. Collection method: clinical testing. Allele origin: germline.

NM_001081.4(CUBN):c.6256G>A (p.Ala2086Thr)

Gene: CUBN (cubilin; minus strand). Cytogenetic location: 10p13.
Variant type: single nucleotide variant.
Coding change: c.6256G>A on transcript NM_001081.4 (MANE Select); coding-DNA position 6256, G replaced by A.
Protein change: p.Ala2086Thr; replaces alanine 2086 with threonine.
Molecular consequence: missense variant.
Genome position (GRCh38, 1-based): chr10:16,928,172, C>T on the plus strand (G>A on the coding strand, the complement: CUBN is on the minus strand). VCF-style: chr10-16928172-C-T. GRCh37 (hg19) VCF-style: chr10-16970171-C-T.
Other names: short protein forms A2086T.
Identifiers: ClinVar variation 2115638 (VCV002115638.5), dbSNP rs2491487960, ClinGen allele CA376151871.
Genomic context (GRCh38, chr10:16,928,172, plus strand): 5'-AGGAGATGAGATAACATGGGATTAAAAAATATTTGAACTCATTACTCTTGTGAAAGGATG[C>T]ATTGAAGCCTGCCCTGGTTACACTGGAGTCCGAGGTGAAGCGGATGAACATGTACTCTCC-3'
Protein context (NP_001072.2, residues 2076-2096): DSSVTRAGFN[Ala2086Thr]SFHKSCGGYL